The following is an entry in ClinVar:

ClinVar aggregate classification (germline): Uncertain significance (1 of 4 stars; one submission).

Conditions:
Hereditary breast ovarian cancer syndrome. Also called: Breast and ovarian cancer; BRCA1- and BRCA2-Associated Hereditary Breast and Ovarian Cancer; Hereditary breast and ovarian cancer; Hereditary breast and ovarian cancer syndrome (HBOC); Hereditary breast and/or ovarian cancer syndrome; Hereditary breast and ovarian cancer syndrome. Identifiers: Orphanet 145, MedGen C0677776, MeSH D061325, MONDO:0003582. Disease mechanism: loss of function.

Allele frequency attached by ClinVar (database versions not stated): TOPMed below 0.00001.

Submission:

Labcorp Genetics (formerly Invitae), Labcorp
Classification: Uncertain significance for Hereditary breast ovarian cancer syndrome. Last evaluated: 2021-04-21. Review status: criteria provided, single submitter. Criteria: Invitae Variant Classification Sherloc (09022015). Collection method: clinical testing. Allele origin: germline.
Comment: In summary, the available evidence is currently insufficient to determine the role of this variant in disease. Therefore, it has been classified as a Variant of Uncertain Significance. Algorithms developed to predict the effect of missense changes on protein structure and function (SIFT, PolyPhen-2, Align-GVGD) all suggest that this variant is likely to be disruptive, but these predictions have not been confirmed by published functional studies and their clinical significance is uncertain. This variant has not been reported in the literature in individuals with BRCA1-related disease. This variant is not present in population databases (ExAC no frequency). This sequence change replaces alanine with proline at codon 1412 of the BRCA1 protein (p.Ala1412Pro). The alanine residue is highly conserved and there is a small physicochemical difference between alanine and proline.

NM_007294.4(BRCA1):c.4234G>C (p.Ala1412Pro)

Gene: BRCA1 (BRCA1 DNA repair associated; minus strand). Cytogenetic location: 17q21.31.
Variant type: single nucleotide variant.
Coding change: c.4234G>C on transcript NM_007294.4 (MANE Select); coding-DNA position 4234, G replaced by C.
Protein change: p.Ala1412Pro; replaces alanine 1412 with proline.
Molecular consequence: missense variant. On other transcripts: non-coding transcript variant (1).
Genome position (GRCh38, 1-based): chr17:43,082,527, C>G on the plus strand (G>C on the coding strand, the complement: BRCA1 is on the minus strand). VCF-style: chr17-43082527-C-G. GRCh37 (hg19) VCF-style: chr17-41234544-C-G.
Other names: c.4024G>C, p.Ala1342Pro (NM_001407885.1, NM_001407886.1, NM_001407904.1 and 9 more transcripts); c.4021G>C, p.Ala1341Pro (NM_001407907.1, NM_001407908.1, NM_001407894.1 and 12 more transcripts); c.4018G>C, p.Ala1340Pro (NM_001407915.1); c.4111G>C, p.Ala1371Pro (NM_001407919.1, NM_001407937.1, NM_001407938.1 and 13 more transcripts); c.3970G>C, p.Ala1324Pro (NM_001407920.1, NM_001407921.1, NM_001407922.1 and 7 more transcripts); c.4090G>C, p.Ala1364Pro (NM_001407943.1, NM_001407740.1, NM_001407741.1 and 23 more transcripts); c.4093G>C, p.Ala1365Pro (NM_001407944.1, NM_001407945.1, NM_001407942.1 and 23 more transcripts); c.3901G>C, p.Ala1301Pro (NM_001407946.1, NM_001407947.1, NM_001407948.1 and 3 more transcripts); and 51 more; short protein forms A1365P, A309P, A1412P, A1300P, A1323P, A1324P, A1363P, A1364P.
Identifiers: ClinVar variation 650035 (VCV000650035.10), dbSNP rs765183110, ClinGen allele CA10593252.